The following is an entry in ClinVar:

NM_015046.7(SETX):c.5976A>G (p.Glu1992=)

Gene: SETX (senataxin; minus strand). Cytogenetic location: 9q34.13.
Variant type: single nucleotide variant.
Coding change: c.5976A>G on transcript NM_015046.7 (MANE Select); coding-DNA position 5976, A replaced by G.
Protein change: p.Glu1992=; no amino-acid change (glutamic acid 1992 retained).
Molecular consequence: synonymous variant.
Genome position (GRCh38, 1-based): chr9:132,296,002, T>C on the plus strand (A>G on the coding strand, the complement: SETX is on the minus strand). VCF-style: chr9-132296002-T-C. GRCh37 (hg19) VCF-style: chr9-135171389-T-C.
Other names: c.5976A>G, p.Glu1992= (NM_001351527.2, NM_001351528.2).
Identifiers: ClinVar variation 2659649 (VCV002659649.25), dbSNP rs1485883289, ClinGen allele CA467428418.

ClinVar aggregate classification (germline): Likely benign. Review status: criteria provided, multiple submitters, no conflicts (2 of 4 stars). 2 submissions from 2 submitters: Likely benign (2). Last evaluated 2026-01-25.

Conditions:
Spinocerebellar ataxia, autosomal recessive, with axonal neuropathy 2 (SCAN2). Also called: Ataxia with Oculomotor Apraxia; Ataxia with Oculomotor Apraxia Type 2; ATAXIA-OCULOMOTOR APRAXIA 2; Ataxia-ocular apraxia-2. Identifiers: Orphanet 64753, MedGen C1853761, MONDO:0018996, OMIM 606002.
Amyotrophic lateral sclerosis type 4 (ALS4). Also called: AMYOTROPHIC LATERAL SCLEROSIS 4, JUVENILE; NEURONOPATHY, DISTAL HEREDITARY MOTOR, WITH PYRAMIDAL FEATURES. Identifiers: Orphanet 357043, MedGen C1865409, MONDO:0011223, OMIM 602433.

Allele frequency attached by ClinVar (database versions not stated): gnomAD exomes below 0.00001; TOPMed below 0.00001.
gnomAD v4.1: 7 of 1,614,100 alleles (0.00043%); highest among the groups gnomAD compares: South Asian, 0.0011%; no homozygotes.

Submissions (2):

Labcorp Genetics (formerly Invitae), Labcorp
Classification: Likely benign for Amyotrophic lateral sclerosis type 4; Spinocerebellar ataxia, autosomal recessive, with axonal neuropathy 2. Last evaluated: 2026-01-25. Review status: criteria provided, single submitter. Criteria: Invitae Variant Classification Sherloc (09022015). Collection method: clinical testing. Allele origin: germline.

CeGaT Center for Human Genetics Tuebingen
Classification: Likely benign. Last evaluated: 2022-11-01. Review status: criteria provided, single submitter. Criteria: CeGaT Center For Human Genetics Tuebingen Variant Classification Criteria Version 2. Collection method: clinical testing. Allele origin: germline. Affected: yes. Observed: 1 variant allele.
Comment: SETX: BP4, BP7